The following is an entry in ClinVar:

ClinVar aggregate classification (germline): Uncertain significance (1 of 4 stars; one submission).

Conditions:
Evans syndrome, immunodeficiency, and premature immunosenescence associated with tripeptidyl-peptidase II deficiency. Identifiers: MedGen CN231723. Disease mechanism: loss of function.

Submission:

Labcorp Genetics (formerly Invitae), Labcorp
Classification: Uncertain significance for Evans syndrome, immunodeficiency, and premature immunosenescence associated with tripeptidyl-peptidase II deficiency. Last evaluated: 2021-05-29. Review status: criteria provided, single submitter. Criteria: Invitae Variant Classification Sherloc (09022015). Collection method: clinical testing. Allele origin: germline.
Comment: In summary, the available evidence is currently insufficient to determine the role of this variant in disease. Therefore, it has been classified as a Variant of Uncertain Significance. Algorithms developed to predict the effect of missense changes on protein structure and function (SIFT, PolyPhen-2, Align-GVGD) all suggest that this variant is likely to be tolerated, but these predictions have not been confirmed by published functional studies and their clinical significance is uncertain. This variant has not been reported in the literature in individuals with TPP2-related conditions. This variant is not present in population databases (ExAC no frequency). This sequence change replaces glutamic acid with alanine at codon 154 of the TPP2 protein (p.Glu154Ala). The glutamic acid residue is moderately conserved and there is a moderate physicochemical difference between glutamic acid and alanine.

NM_001330588.2(TPP2):c.461A>C (p.Glu154Ala)

Gene: TPP2 (tripeptidyl peptidase 2; plus strand). Cytogenetic location: 13q33.1.
Variant type: single nucleotide variant.
Coding change: c.461A>C on transcript NM_001330588.2 (MANE Select); coding-DNA position 461, A replaced by C.
Protein change: p.Glu154Ala; replaces glutamic acid 154 with alanine.
Molecular consequence: missense variant. On other transcripts: non-coding transcript variant (1).
Genome position (GRCh38, 1-based): chr13:102,616,466, A>C. VCF-style: chr13-102616466-A-C. GRCh37 (hg19) VCF-style: chr13-103268816-A-C.
Other names: c.461A>C, p.Glu154Ala (NM_001367947.1, NM_003291.4); short protein forms E154A.
Identifiers: ClinVar variation 1419255 (VCV001419255.8), dbSNP rs2139444733, ClinGen allele CA388473735.